The following is an entry in ClinVar:

ClinVar aggregate classification (germline): Pathogenic (1 of 4 stars; one submission).

gnomAD v4.1: 1 of 1,614,046 alleles (0.000062%); highest among the groups gnomAD compares: Non-Finnish European, 0.000085%; no homozygotes.

Submission:

Labcorp Genetics (formerly Invitae), Labcorp
Classification: Pathogenic. Last evaluated: 2024-08-02. Review status: criteria provided, single submitter. Criteria: Invitae Variant Classification Sherloc (09022015). Collection method: clinical testing. Allele origin: germline.
Comment: This sequence change creates a premature translational stop signal (p.Gly817*) in the TRPM1 gene. It is expected to result in an absent or disrupted protein product. Loss-of-function variants in TRPM1 are known to be pathogenic (PMID: 19896113, 19966281, 20300565). This variant is not present in population databases (gnomAD no frequency). This variant has not been reported in the literature in individuals affected with TRPM1-related conditions. Algorithms developed to predict the effect of sequence changes on RNA splicing suggest that this variant may disrupt the consensus splice site. For these reasons, this variant has been classified as Pathogenic.

Literature cited by the submitters: PubMed 19896113; PubMed 19966281; PubMed 20300565.

NM_001252024.2(TRPM1):c.2515G>T (p.Gly839Ter)

Gene: TRPM1 (transient receptor potential cation channel subfamily M member 1; minus strand). Cytogenetic location: 15q13.3.
Variant type: single nucleotide variant.
Coding change: c.2515G>T on transcript NM_001252024.2 (MANE Select); coding-DNA position 2515, G replaced by T.
Protein change: p.Gly839Ter; replaces glycine 839 with a stop codon.
Molecular consequence: nonsense.
Genome position (GRCh38, 1-based): chr15:31,037,767, C>A on the plus strand (G>T on the coding strand, the complement: TRPM1 is on the minus strand). VCF-style: chr15-31037767-C-A. GRCh37 (hg19) VCF-style: chr15-31329970-C-A.
Other names: c.2566G>T, p.Gly856Ter (NM_001252020.2); c.2449G>T, p.Gly817Ter (NM_002420.6); short protein forms G839*, G856*, G817*.
Identifiers: ClinVar variation 3652058 (VCV003652058.2).